The following is an entry in ClinVar:

ClinVar aggregate classification (germline): Likely benign (1 of 4 stars; one submission).

Allele frequency attached by ClinVar (database versions not stated): ExAC 0.00004.
gnomAD v4.1: 58 of 1,608,352 alleles (0.0036%); highest among the groups gnomAD compares: Middle Eastern, 0.017%; no homozygotes.

Submission:

CeGaT Center for Human Genetics Tuebingen
Classification: Likely benign. Last evaluated: 2024-01-01. Review status: criteria provided, single submitter. Criteria: CeGaT Center For Human Genetics Tuebingen Variant Classification Criteria Version 2. Collection method: clinical testing. Allele origin: germline. Affected: yes. Observed: 1 variant allele.
Comment: BRSK2: BP4, BP7

NM_001256627.2(BRSK2):c.1911C>T (p.His637=)

Gene: BRSK2 (BR serine/threonine kinase 2; plus strand). Cytogenetic location: 11p15.5.
Variant type: single nucleotide variant.
Coding change: c.1911C>T on transcript NM_001256627.2 (MANE Select); coding-DNA position 1911, C replaced by T.
Protein change: p.His637=; no amino-acid change (histidine 637 retained).
Molecular consequence: synonymous variant. On other transcripts: non-coding transcript variant (1).
Genome position (GRCh38, 1-based): chr11:1,456,659, C>T. VCF-style: chr11-1456659-C-T. GRCh37 (hg19) VCF-style: chr11-1477889-C-T.
Other names: c.1911C>T, p.His637= (NM_001256629.2, NM_003957.4); c.2049C>T, p.His683= (NM_001256630.1); c.1731C>T, p.His577= (NM_001282218.2).
Identifiers: ClinVar variation 3024916 (VCV003024916.22), dbSNP rs772305366, ClinGen allele CA5811271.